The following is an entry in ClinVar:

NM_001430.5(EPAS1):c.1906A>C (p.Asn636His)

Gene: EPAS1 (endothelial PAS domain protein 1; plus strand). Cytogenetic location: 2p21.
Variant type: single nucleotide variant.
Coding change: c.1906A>C on transcript NM_001430.5 (MANE Select); coding-DNA position 1906, A replaced by C.
Protein change: p.Asn636His; replaces asparagine 636 with histidine.
Molecular consequence: missense variant.
Genome position (GRCh38, 1-based): chr2:46,380,578, A>C. VCF-style: chr2-46380578-A-C. GRCh37 (hg19) VCF-style: chr2-46607717-A-C.
Other names: short protein forms N636H.
Identifiers: ClinVar variation 3221582 (VCV003221582.1), dbSNP rs2546477589, ClinGen allele CA346705120.

ClinVar aggregate classification (germline): Uncertain significance (1 of 4 stars; one submission).

Conditions:
Inborn genetic diseases. Identifiers: MedGen C0950123, MeSH D030342.

Submission:

Ambry Genetics
Classification: Uncertain significance for Inborn genetic diseases. Last evaluated: 2023-10-22. Review status: criteria provided, single submitter. Criteria: Ambry Variant Classification Scheme 2023. Collection method: clinical testing. Allele origin: germline.
Comment: The p.N636H variant (also known as c.1906A>C), located in coding exon 12 of the EPAS1 gene, results from an A to C substitution at nucleotide position 1906. The asparagine at codon 636 is replaced by histidine, an amino acid with similar properties. This amino acid position is conserved. In addition, this alteration is predicted to be tolerated by in silico analysis. Since supporting evidence is limited at this time, the clinical significance of this alteration remains unclear.